The following is an entry in ClinVar:

ClinVar aggregate classification (germline): Likely benign (0 of 4 stars; one submission).

Conditions:
EYS-related disorder. Also called: EYS-related condition.

Allele frequency attached by ClinVar (database versions not stated): gnomAD 0.00001; gnomAD exomes 0.00001.
gnomAD v4.1: 12 of 1,505,612 alleles (0.0008%); highest among the groups gnomAD compares: South Asian, 0.013%; no homozygotes.

Submission:

PreventionGenetics, part of Exact Sciences
Classification: Likely benign for EYS-related condition. Last evaluated: 2020-04-07. Review status: no assertion criteria provided. Collection method: clinical testing. Allele origin: germline.
Comment: This variant is classified as likely benign based on ACMG/AMP sequence variant interpretation guidelines (Richards et al. 2015 PMID: 25741868, with internal and published modifications).

NM_001142800.2(EYS):c.6571+3G>A

Gene: EYS (eyes shut homolog; minus strand). Cytogenetic location: 6q12.
Variant type: single nucleotide variant.
Coding change: c.6571+3G>A on transcript NM_001142800.2 (MANE Select); 3 bases into the intron after coding-DNA position 6571, G replaced by A.
Molecular consequence: intron variant.
Genome position (GRCh38, 1-based): chr6:64,081,853, C>T on the plus strand (G>A on the coding strand, the complement: EYS is on the minus strand). VCF-style: chr6-64081853-C-T. GRCh37 (hg19) VCF-style: chr6-64791746-C-T.
Other names: c.6571+3G>A (NM_001292009.2).
Identifiers: ClinVar variation 3054434 (VCV003054434.2), dbSNP rs1430285881, ClinGen allele CA567712405.
Genomic context (GRCh38, chr6:64,081,853, plus strand): 5'-TTCAATAGATCAACGTTTGAGAAAGAAACATGACATACAAGAAGTCAAACATTTAATACT[C>T]ACTGTAAAGAATAGTTCCATTTAAACTGTTTGTTTTTATAGTCAAGTAGATGGTAACAGT-3'